The following is an entry in ClinVar:

ClinVar aggregate classification (germline): Uncertain significance (1 of 4 stars; one submission).

Conditions:
Kabuki syndrome. Also called: NIIKAWA-KUROKI SYNDROME; Kabuki make-up syndrome. Identifiers: Orphanet 2322, MedGen C0796004, MONDO:0016512.

gnomAD v4.1: 9 of 1,613,052 alleles (0.00056%); highest among the groups gnomAD compares: Non-Finnish European, 0.00076%; no homozygotes.

Submission:

Labcorp Genetics (formerly Invitae), Labcorp
Classification: Uncertain significance for Kabuki syndrome. Last evaluated: 2025-10-16. Review status: criteria provided, single submitter. Criteria: Invitae Variant Classification Sherloc (09022015). Collection method: clinical testing. Allele origin: germline.
Comment: This sequence change replaces isoleucine, which is neutral and non-polar, with valine, which is neutral and non-polar, at codon 2073 of the KMT2D protein (p.Ile2073Val). This variant is present in population databases (rs779065395, gnomAD 0.0009%). This variant has not been reported in the literature in individuals affected with KMT2D-related conditions. Invitae Evidence Modeling of protein sequence and biophysical properties (such as structural, functional, and spatial information, amino acid conservation, physicochemical variation, residue mobility, and thermodynamic stability) has been performed for this missense variant. However, the output from this modeling did not meet the statistical confidence thresholds required to predict the impact of this variant on KMT2D protein function. In summary, the available evidence is currently insufficient to determine the role of this variant in disease. Therefore, it has been classified as a Variant of Uncertain Significance.

NM_003482.4(KMT2D):c.6217A>G (p.Ile2073Val)

Gene: KMT2D (lysine methyltransferase 2D; minus strand). Cytogenetic location: 12q13.12.
Variant type: single nucleotide variant.
Coding change: c.6217A>G on transcript NM_003482.4 (MANE Select); coding-DNA position 6217, A replaced by G.
Protein change: p.Ile2073Val; replaces isoleucine 2073 with valine.
Molecular consequence: missense variant.
Genome position (GRCh38, 1-based): chr12:49,041,672, T>C on the plus strand (A>G on the coding strand, the complement: KMT2D is on the minus strand). VCF-style: chr12-49041672-T-C. GRCh37 (hg19) VCF-style: chr12-49435455-T-C.
Other names: short protein forms I2073V.
Identifiers: ClinVar variation 4803982 (VCV004803982.1).